The following is an entry in ClinVar:

ClinVar aggregate classification (germline): Benign/Likely benign. Review status: criteria provided, multiple submitters, no conflicts (2 of 4 stars). 3 submissions from 3 submitters: Benign (2); Likely benign (1). Last evaluated 2021-06-19.

Conditions:
Decreased response to growth hormone stimulation test. Also called: Growth hormone deficiency. Identifiers: MedGen C5539399, HP:0000824.

Allele frequency attached by ClinVar (database versions not stated): 1000 Genomes Project 0.01498; 1000 Genomes Project 30x 0.01499; ExAC 0.01907; gnomAD exomes 0.01974; gnomAD 0.02138 and 0.02189; ESP Exome Variant Server 0.02268; TOPMed 0.02294.

Submissions (3):

GeneDx
Classification: Likely benign. Last evaluated: 2021-06-19. Review status: criteria provided, single submitter. Criteria: GeneDx Variant Classification Process June 2021. Collection method: clinical testing. Allele origin: germline. Affected: yes.
Comment: See Variant Classification Assertion Criteria.

Illumina Laboratory Services, Illumina
Classification: Benign for Growth hormone deficiency. Last evaluated: 2018-01-18. Review status: criteria provided, single submitter. Criteria: ICSL Variant Classification Criteria 13 December 2019. Collection method: clinical testing. Allele origin: germline.
Comment: This variant was observed as part of a predisposition screen in an ostensibly healthy population. A literature search was performed for the gene, cDNA change, and amino acid change (where applicable). Publications were found based on this search. The evidence from the literature, in combination with allele frequency data from public databases where available, was sufficient to rule this variant out of causing disease. Therefore, this variant is classified as benign.

Breakthrough Genomics
Classification: Benign. Review status: criteria provided, single submitter. Criteria: ACMG Guidelines, 2015. Collection method: not provided. Allele origin: germline. Inheritance: Autosomal recessive inheritance. Affected: yes.

Literature cited by the submitters: PubMed 17223997 (cited by Illumina Laboratory Services, Illumina).

NM_000515.5(GH1):c.-38A>C

Genes: GH1 (growth hormone 1; minus strand), GH-LCR (growth hormone locus control region; plus strand). Cytogenetic location: 17q23.3.
Variant type: single nucleotide variant.
Coding change: c.-38A>C on transcript NM_000515.5 (MANE Select); 38 bases upstream of the start codon, A replaced by C.
Molecular consequence: 5 prime UTR variant.
Genome position (GRCh38, 1-based): chr17:63,918,814, T>G on the plus strand (A>C on the coding strand, the complement: GH1 is on the minus strand). VCF-style: chr17-63918814-T-G. GRCh37 (hg19) VCF-style: chr17-61996174-T-G.
Other names: c.-38A>C (NM_022559.4, NM_022560.4).
Identifiers: ClinVar variation 891384 (VCV000891384.6), dbSNP rs6172, ClinGen allele CA8708441.